The following is an entry in ClinVar:

ClinVar aggregate classification (germline): Uncertain significance (1 of 4 stars; one submission).

Conditions:
Shprintzen-Goldberg syndrome (SGS). Also called: SHPRINTZEN-GOLDBERG CRANIOSYNOSTOSIS SYNDROME; CRANIOSYNOSTOSIS WITH ARACHNODACTYLY AND ABDOMINAL HERNIAS; Marfanoid disorder with craniosynostosis type 1; Marfanoid craniosynostosis syndrome; Shprintzen-Goldberg marfanoid syndrome. Identifiers: Orphanet 2462, MedGen C1321551, MONDO:0008426, OMIM 182212.

Submission:

Labcorp Genetics (formerly Invitae), Labcorp
Classification: Uncertain significance for Shprintzen-Goldberg syndrome. Last evaluated: 2023-05-21. Review status: criteria provided, single submitter. Criteria: Invitae Variant Classification Sherloc (09022015). Collection method: clinical testing. Allele origin: germline.
Comment: In summary, the available evidence is currently insufficient to determine the role of this variant in disease. Therefore, it has been classified as a Variant of Uncertain Significance. Advanced modeling of protein sequence and biophysical properties (such as structural, functional, and spatial information, amino acid conservation, physicochemical variation, residue mobility, and thermodynamic stability) has been performed at Invitae for this missense variant, however the output from this modeling did not meet the statistical confidence thresholds required to predict the impact of this variant on SKI protein function. This variant has not been reported in the literature in individuals affected with SKI-related conditions. This variant is not present in population databases (gnomAD no frequency). This sequence change replaces glutamine, which is neutral and polar, with leucine, which is neutral and non-polar, at codon 12 of the SKI protein (p.Gln12Leu).

NM_003036.4(SKI):c.35A>T (p.Gln12Leu)

Gene: SKI (SKI proto-oncogene; plus strand). Cytogenetic location: 1p36.33.
Variant type: single nucleotide variant.
Coding change: c.35A>T on transcript NM_003036.4 (MANE Select); coding-DNA position 35, A replaced by T.
Protein change: p.Gln12Leu; replaces glutamine 12 with leucine.
Molecular consequence: missense variant.
Genome position (GRCh38, 1-based): chr1:2,228,801, A>T. VCF-style: chr1-2228801-A-T. GRCh37 (hg19) VCF-style: chr1-2160240-A-T.
Other names: short protein forms Q12L.
Identifiers: ClinVar variation 2868960 (VCV002868960.3), dbSNP rs1159722950, ClinGen allele CA337951949.